The following is an entry in ClinVar:

NM_000416.3(IFNGR1):c.1400T>C (p.Leu467Pro)

Gene: IFNGR1 (interferon gamma receptor 1; minus strand). Cytogenetic location: 6q23.3.
Variant type: single nucleotide variant.
Coding change: c.1400T>C on transcript NM_000416.3 (MANE Select); coding-DNA position 1400, T replaced by C.
Protein change: p.Leu467Pro; replaces leucine 467 with proline.
Molecular consequence: missense variant.
Genome position (GRCh38, 1-based): chr6:137,198,101, A>G on the plus strand (T>C on the coding strand, the complement: IFNGR1 is on the minus strand). VCF-style: chr6-137198101-A-G. GRCh37 (hg19) VCF-style: chr6-137519238-A-G.
Other names: c.1370T>C, p.Leu457Pro (NM_001363526.1); c.1277T>C, p.Leu426Pro (NM_001363527.1); short protein forms L467P, L457P, L426P.
Identifiers: ClinVar variation 355552 (VCV000355552.14), dbSNP rs1887415, ClinGen allele CA4018756.

ClinVar aggregate classification (germline): Benign/Likely benign. Review status: criteria provided, multiple submitters, no conflicts (2 of 4 stars). 3 submissions from 3 submitters: Benign (2); Likely benign (1). Last evaluated 2026-02-04.

Conditions:
Disseminated atypical mycobacterial infection. Identifiers: MedGen C0694566.
Immunodeficiency 27A (IMD27A). Also called: IMMUNODEFICIENCY 27A, MYCOBACTERIOSIS, AUTOSOMAL RECESSIVE; IFNGR1 DEFICIENCY, AUTOSOMAL RECESSIVE. Identifiers: Orphanet 319569, Orphanet 99898, MedGen C4011949, MONDO:0008856, OMIM 209950.

Allele frequency attached by ClinVar (database versions not stated): ESP Exome Variant Server 0.00531; gnomAD 0.01172 and 0.02080; TOPMed 0.01603; gnomAD exomes 0.02104 and 0.05116; ExAC 0.05185; 1000 Genomes Project 30x 0.08323; 1000 Genomes Project 0.08387.
gnomAD v4.1: 34,382 of 1,614,140 alleles (2.1%); highest among the groups gnomAD compares: South Asian, 26%; 3,621 homozygotes.

Submissions (3):

Labcorp Genetics (formerly Invitae), Labcorp
Classification: Benign for Disseminated atypical mycobacterial infection. Last evaluated: 2026-02-04. Review status: criteria provided, single submitter. Criteria: Invitae Variant Classification Sherloc (09022015). Collection method: clinical testing. Allele origin: germline.

Blueprint Genetics
Classification: Likely benign. Last evaluated: 2024-11-26. Review status: criteria provided, single submitter. Criteria: ACMG Guidelines, 2015. Collection method: clinical testing. Allele origin: germline.

Illumina Laboratory Services, Illumina
Classification: Benign for Immunodeficiency 27A. Last evaluated: 2018-03-06. Review status: criteria provided, single submitter. Criteria: ICSL Variant Classification Criteria 13 December 2019. Collection method: clinical testing. Allele origin: germline.
Comment: This variant was observed in the ICSL laboratory as part of a predisposition screen in an ostensibly healthy population. It had not been previously curated by ICSL or reported in the Human Gene Mutation Database (HGMD: prior to June 1st, 2018), and was therefore a candidate for classification through an automated scoring system. Utilizing variant allele frequency, disease prevalence and penetrance estimates, and inheritance mode, an automated score was calculated to assess if this variant is too frequent to cause the disease. Based on the score and internal cut-off values, a variant classified as benign is not then subjected to further curation. The score for this variant resulted in a classification of benign for this disease.